The following is an entry in ClinVar:

ClinVar aggregate classification (germline): Uncertain significance (1 of 4 stars; one submission).

Conditions:
Hereditary cancer-predisposing syndrome. Also called: Neoplastic Syndromes, Hereditary; Tumor predisposition; Hereditary neoplastic syndrome; Hereditary Cancer Syndrome. Identifiers: Orphanet 140162, MedGen C0027672, MeSH D009386, MONDO:0015356.

Submission:

Ambry Genetics
Classification: Uncertain significance for Hereditary cancer-predisposing syndrome. Last evaluated: 2026-07-06. Review status: criteria provided, single submitter. Criteria: Ambry Variant Classification Scheme 2023. Collection method: clinical testing. Allele origin: germline.
Comment: The p.S1342R variant (also known as c.4024A>C), located in coding exon 10 of the BRCA2 gene, results from an A to C substitution at nucleotide position 4024. The serine at codon 1342 is replaced by arginine, an amino acid with dissimilar properties. This amino acid position is conserved. In addition, this alteration is predicted to be tolerated by in silico analysis. Based on the available evidence, the clinical significance of this variant remains unclear.

NM_000059.4(BRCA2):c.4024A>C (p.Ser1342Arg)

Gene: BRCA2 (BRCA2 DNA repair associated; plus strand). Cytogenetic location: 13q13.1.
Variant type: single nucleotide variant.
Coding change: c.4024A>C on transcript NM_000059.4 (MANE Select); coding-DNA position 4024, A replaced by C.
Protein change: p.Ser1342Arg; replaces serine 1342 with arginine.
Molecular consequence: missense variant. On other transcripts: non-coding transcript variant (1), intron variant (2).
Genome position (GRCh38, 1-based): chr13:32,338,379, A>C. VCF-style: chr13-32338379-A-C. GRCh37 (hg19) VCF-style: chr13-32912516-A-C.
Other names: c.4024A>C, p.Ser1342Arg (NM_001406719.1, NM_001406720.1, NM_001432077.1); c.1909+4992A>C (NM_001406721.1); c.425-6179A>C (NM_001406722.1); short protein forms S1342R.
Identifiers: ClinVar variation 5033281 (VCV005033281.1).